The following is an entry in ClinVar:

ClinVar aggregate classification (germline): Uncertain significance (1 of 4 stars; one submission).

Conditions:
Orofacial cleft 6, susceptibility to (OFC6). Also called: CLEFT LIP WITH OR WITHOUT CLEFT PALATE, NONSYNDROMIC, 6. Identifiers: MedGen C1837213, MONDO:0012141, OMIM 608864.
Popliteal pterygium syndrome (PPS). Identifiers: Orphanet 294963, MedGen C0265259, MONDO:0017435.
Van der Woude syndrome. Identifiers: Orphanet 888, MedGen C0175697, MONDO:0019508.

Submission:

Labcorp Genetics (formerly Invitae), Labcorp
Classification: Uncertain significance for Orofacial cleft 6, susceptibility to; Van der Woude syndrome; Popliteal pterygium syndrome. Last evaluated: 2024-03-28. Review status: criteria provided, single submitter. Criteria: Invitae Variant Classification Sherloc (09022015). Collection method: clinical testing. Allele origin: germline.
Comment: This sequence change falls in intron 6 of the IRF6 gene. It does not directly change the encoded amino acid sequence of the IRF6 protein. This variant is not present in population databases (gnomAD no frequency). This variant has not been reported in the literature in individuals affected with IRF6-related conditions. Algorithms developed to predict the effect of sequence changes on RNA splicing suggest that this variant may disrupt the consensus splice site. In summary, the available evidence is currently insufficient to determine the role of this variant in disease. Therefore, it has been classified as a Variant of Uncertain Significance.

NM_006147.4(IRF6):c.668-23_668-20del

Gene: IRF6 (interferon regulatory factor 6; minus strand). Cytogenetic location: 1q32.2.
Variant type: Deletion.
Coding change: c.668-23_668-20del on transcript NM_006147.4 (MANE Select); 23 bases into the intron before coding-DNA position 668 through 20 bases into the intron before coding-DNA position 668, 4 bases deleted (CACT; older notation c.668-23_668-20delCACT).
Molecular consequence: intron variant.
Genome position (GRCh38, 1-based): chr1:209,790,907-209,790,910, AGTG deleted on the plus strand (CACT on the coding strand, the reverse complement: IRF6 is on the minus strand); deleting any 4 consecutive bases within chr1:209,790,907-209,790,912 gives the same sequence; the c. name uses the placement nearest the transcript's 3' end. VCF-style (leftmost placement, unchanged base first): chr1-209790906-CAGTG-C. GRCh37 (hg19) VCF-style: chr1-209964251-CAGTG-C.
Other names: c.383-23_383-20del (NM_001206696.2).
Identifiers: ClinVar variation 3755565 (VCV003755565.2).
Genomic context (GRCh38, chr1:209,790,906, plus strand): 5'-ACTCCTTCCCACGGTACTGAAACTTGATGTCCAGGTCAGTCACTGCAAGGTTAGAGATGA[CAGTG>C]AGAGTCCTGCTTCACTGCTCTGCCTGTTCATCCCTGTGACTCATGCAAGTCCATTAAGAT-3'